The following is an entry in ClinVar:

ClinVar aggregate classification (germline): Likely benign (1 of 4 stars; one submission).

gnomAD v4.1: 21 of 1,611,832 alleles (0.0013%); highest among the groups gnomAD compares: African/African-American, 0.0027%; no homozygotes.

Submission:

CeGaT Center for Human Genetics Tuebingen
Classification: Likely benign. Last evaluated: 2026-05-01. Review status: criteria provided, single submitter. Criteria: CeGaT Center For Human Genetics Tuebingen Variant Classification Criteria Version 2. Collection method: clinical testing. Allele origin: germline. Affected: yes. Observed: 1 variant allele.
Comment: KIF19: BP4, BP7

NM_153209.4(KIF19):c.633G>A (p.Thr211=)

Gene: KIF19 (kinesin family member 19; plus strand). Cytogenetic location: 17q25.1.
Variant type: single nucleotide variant.
Coding change: c.633G>A on transcript NM_153209.4 (MANE Select); coding-DNA position 633, G replaced by A.
Protein change: p.Thr211=; no amino-acid change (threonine 211 retained).
Molecular consequence: synonymous variant.
Genome position (GRCh38, 1-based): chr17:74,344,811, G>A. VCF-style: chr17-74344811-G-A. GRCh37 (hg19) VCF-style: chr17-72340950-G-A.
Identifiers: ClinVar variation 4872292 (VCV004872292.2).